The following is an entry in ClinVar:

NM_032119.4(ADGRV1):c.10726T>C (p.Tyr3576His)

Gene: ADGRV1 (adhesion G protein-coupled receptor V1; plus strand). Cytogenetic location: 5q14.3.
Variant type: single nucleotide variant.
Coding change: c.10726T>C on transcript NM_032119.4 (MANE Select); coding-DNA position 10726, T replaced by C.
Protein change: p.Tyr3576His; replaces tyrosine 3576 with histidine.
Molecular consequence: missense variant. On other transcripts: non-coding transcript variant (1).
Genome position (GRCh38, 1-based): chr5:90,745,222, T>C. VCF-style: chr5-90745222-T-C. GRCh37 (hg19) VCF-style: chr5-90041039-T-C.
Other names: short protein forms Y3576H.
Identifiers: ClinVar variation 1009627 (VCV001009627.9), dbSNP rs1754475517, ClinGen allele CA360408509.

ClinVar aggregate classification (germline): Uncertain significance (1 of 4 stars; one submission).

Allele frequency attached by ClinVar (database versions not stated): gnomAD exomes below 0.00001.
gnomAD v4.1: 1 of 1,609,848 alleles (0.000062%); highest among the groups gnomAD compares: Non-Finnish European, 0.000085%; no homozygotes.

Submission:

Labcorp Genetics (formerly Invitae), Labcorp
Classification: Uncertain significance. Last evaluated: 2020-02-07. Review status: criteria provided, single submitter. Criteria: Invitae Variant Classification Sherloc (09022015). Collection method: clinical testing. Allele origin: germline.
Comment: Algorithms developed to predict the effect of missense changes on protein structure and function are either unavailable or do not agree on the potential impact of this missense change (SIFT: "Deleterious"; PolyPhen-2: "Possibly Damaging"; Align-GVGD: "Class C0"). This variant has not been reported in the literature in individuals with ADGRV1-related conditions. This variant is not present in population databases (ExAC no frequency). This sequence change replaces tyrosine with histidine at codon 3576 of the ADGRV1 protein (p.Tyr3576His). The tyrosine residue is moderately conserved and there is a moderate physicochemical difference between tyrosine and histidine. In summary, the available evidence is currently insufficient to determine the role of this variant in disease. Therefore, it has been classified as a Variant of Uncertain Significance.